The following is an entry in ClinVar:

NC_000002.11:g.(?_233404745)_(233414968_?)del

Genes: CHRNG (cholinergic receptor nicotinic gamma subunit; plus strand), TIGD1 (tigger transposable element derived 1; minus strand). Cytogenetic location: 2q37.1.
Variant type: Deletion.
Identifiers: ClinVar variation 3247532 (VCV003247532.1).

ClinVar aggregate classification (germline): Pathogenic (1 of 4 stars; one submission).

Submission:

Labcorp Genetics (formerly Invitae), Labcorp
Classification: Pathogenic. Last evaluated: 2023-10-16. Review status: criteria provided, single submitter. Criteria: Invitae Variant Classification Sherloc (09022015). Collection method: clinical testing. Allele origin: unknown.
Comment: This variant results in the deletion of exons 3-12 and part of exon 2 (c.99_*4542del) of the CHRNG gene. While this deletion is not anticipated to lead to nonsense mediated decay, it is expected to alter mRNA translation or result in a truncated protein product. This variant has not been reported in the literature in individuals affected with CHRNG-related conditions. This variant disrupts a region of the CHRNG protein in which other variant(s) (p.Pro143Arg) have been determined to be pathogenic (PMID: 25608830, 32901917). This suggests that this is a clinically significant region of the protein, and that variants that disrupt it are likely to be disease-causing. For these reasons, this variant has been classified as Pathogenic.

Literature cited by the submitters: PubMed 25608830; PubMed 32901917.